The following is an entry in ClinVar:

NM_001191057.4(PDE1C):c.1285+4C>T

Gene: PDE1C (phosphodiesterase 1C; minus strand). Cytogenetic location: 7p14.3.
Variant type: single nucleotide variant.
Coding change: c.1285+4C>T on transcript NM_001191057.4 (MANE Select); 4 bases into the intron after coding-DNA position 1285, C replaced by T.
Molecular consequence: intron variant.
Genome position (GRCh38, 1-based): chr7:31,828,288, G>A on the plus strand (C>T on the coding strand, the complement: PDE1C is on the minus strand). VCF-style: chr7-31828288-G-A. GRCh37 (hg19) VCF-style: chr7-31867902-G-A.
Other names: c.1465+4C>T (NM_001191058.4, NM_001322058.2); c.1285+4C>T (NM_001191059.4, NM_001322055.2, NM_005020.5 and 3 more transcripts); c.1690+4C>T (NM_001322059.2).
Identifiers: ClinVar variation 3038635 (VCV003038635.3), dbSNP rs182187841, ClinGen allele CA4210972.

ClinVar aggregate classification (germline): Likely benign. Review status: criteria provided, single submitter (1 of 4 stars). 2 submissions from 2 submitters: Likely benign (1). 1 of the submissions does not count toward it. Last evaluated 2024-11-25.

Conditions:
PDE1C-related disorder. Also called: PDE1C-related condition.

Allele frequency attached by ClinVar (database versions not stated): ExAC 0.00013; ESP Exome Variant Server 0.00046; TOPMed 0.00051; gnomAD 0.00062; 1000 Genomes Project 30x 0.00078; 1000 Genomes Project 0.00080.
gnomAD v4.1: 250 of 1,610,192 alleles (0.016%); highest among the groups gnomAD compares: African/African-American, 0.097%; 6 homozygotes.

Submissions (2):

Blueprint Genetics
Classification: Likely benign. Last evaluated: 2024-11-25. Review status: criteria provided, single submitter. Criteria: ACMG Guidelines, 2015. Collection method: clinical testing. Allele origin: germline.

PreventionGenetics, part of Exact Sciences
Classification: Likely benign for PDE1C-related condition. Last evaluated: 2019-05-24. Review status: no assertion criteria provided. Collection method: clinical testing. Allele origin: germline. Not counted in ClinVar's aggregate classification.
Comment: This variant is classified as likely benign based on ACMG/AMP sequence variant interpretation guidelines (Richards et al. 2015 PMID: 25741868, with internal and published modifications).